The following is an entry in ClinVar:

NM_000368.5(TSC1):c.567T>A (p.His189Gln)

Gene: TSC1 (TSC complex subunit 1; minus strand). Cytogenetic location: 9q34.13.
Variant type: single nucleotide variant.
Coding change: c.567T>A on transcript NM_000368.5 (MANE Select); coding-DNA position 567, T replaced by A.
Protein change: p.His189Gln; replaces histidine 189 with glutamine.
Molecular consequence: missense variant.
Genome position (GRCh38, 1-based): chr9:132,921,915, A>T on the plus strand (T>A on the coding strand, the complement: TSC1 is on the minus strand). VCF-style: chr9-132921915-A-T. GRCh37 (hg19) VCF-style: chr9-135797302-A-T.
Other names: c.567T>A, p.His189Gln (NM_001162426.2, NM_001406592.1, NM_001406593.1 and 16 more transcripts); c.414T>A, p.His138Gln (NM_001162427.2, NM_001406610.1, NM_001406611.1 and 2 more transcripts); c.204T>A, p.His68Gln (NM_001362177.2, NM_001406614.1, NM_001406615.1 and 10 more transcripts); c.-311T>A (NM_001406626.1, NM_001406627.1, NM_001406628.1); c.-453T>A (NM_001406629.1); c.-527T>A (NM_001406630.1); short protein forms H138Q, H189Q, H68Q.
Identifiers: ClinVar variation 1749023 (VCV001749023.3), dbSNP rs2132157565, ClinGen allele CA375372687.

ClinVar aggregate classification (germline): Uncertain significance (1 of 4 stars; one submission).

Conditions:
Hereditary cancer-predisposing syndrome. Also called: Hereditary Cancer Syndrome; Hereditary neoplastic syndrome; Neoplastic Syndromes, Hereditary; Tumor predisposition. Identifiers: Orphanet 140162, MedGen C0027672, MeSH D009386, MONDO:0015356.

Submission:

Ambry Genetics
Classification: Uncertain significance for Hereditary cancer-predisposing syndrome. Last evaluated: 2026-08-20. Review status: criteria provided, single submitter. Criteria: Ambry Variant Classification Scheme 2023. Collection method: clinical testing. Allele origin: germline.
Comment: The p.H189Q variant (also known as c.567T>A), located in coding exon 5 of the TSC1 gene, results from a T to A substitution at nucleotide position 567. The histidine at codon 189 is replaced by glutamine, an amino acid with highly similar properties. This amino acid position is highly conserved in available vertebrate species. In addition, this alteration is predicted to be deleterious by in silico analysis. Based on the available evidence, the clinical significance of this variant remains unclear.